The following is an entry in ClinVar:

NM_020461.4(TUBGCP6):c.4288C>T (p.Arg1430Trp)

Gene: TUBGCP6 (tubulin gamma complex component 6; minus strand). Cytogenetic location: 22q13.33.
Variant type: single nucleotide variant.
Coding change: c.4288C>T on transcript NM_020461.4 (MANE Select); coding-DNA position 4288, C replaced by T.
Protein change: p.Arg1430Trp; replaces arginine 1430 with tryptophan.
Molecular consequence: missense variant.
Genome position (GRCh38, 1-based): chr22:50,219,671, G>A on the plus strand (C>T on the coding strand, the complement: TUBGCP6 is on the minus strand). VCF-style: chr22-50219671-G-A. GRCh37 (hg19) VCF-style: chr22-50658100-G-A.
Other names: short protein forms R1430W.
Identifiers: ClinVar variation 2185860 (VCV002185860.1), dbSNP rs754895676, ClinGen allele CA10307598.

ClinVar aggregate classification (germline): Uncertain significance (1 of 4 stars; one submission).

Allele frequency attached by ClinVar (database versions not stated): TOPMed below 0.00001; ExAC 0.00001; gnomAD exomes 0.00002.
gnomAD v4.1: 22 of 1,613,722 alleles (0.0014%); highest among the groups gnomAD compares: South Asian, 0.0033%; no homozygotes.

Submission:

Labcorp Genetics (formerly Invitae), Labcorp
Classification: Uncertain significance. Last evaluated: 2022-07-12. Review status: criteria provided, single submitter. Criteria: Invitae Variant Classification Sherloc (09022015). Collection method: clinical testing. Allele origin: germline.
Comment: This sequence change replaces arginine, which is basic and polar, with tryptophan, which is neutral and slightly polar, at codon 1430 of the TUBGCP6 protein (p.Arg1430Trp). This variant is present in population databases (rs754895676, gnomAD 0.006%). This variant has not been reported in the literature in individuals affected with TUBGCP6-related conditions. Algorithms developed to predict the effect of missense changes on protein structure and function are either unavailable or do not agree on the potential impact of this missense change (SIFT: "Deleterious"; PolyPhen-2: "Possibly Damaging"; Align-GVGD: "Class C0"). Algorithms developed to predict the effect of sequence changes on RNA splicing suggest that this variant may disrupt the consensus splice site. In summary, the available evidence is currently insufficient to determine the role of this variant in disease. Therefore, it has been classified as a Variant of Uncertain Significance.